The following is an entry in ClinVar:

NM_178857.6(RP1L1):c.86A>T (p.Lys29Met)

Gene: RP1L1 (RP1 like 1). Cytogenetic location: 8p23.1.
Variant type: single nucleotide variant.
Coding change: c.86A>T on transcript NM_178857.6 (MANE Select); coding-DNA position 86, A replaced by T.
Protein change: p.Lys29Met; replaces lysine 29 with methionine.
Molecular consequence: missense variant.
Genome position (GRCh38, 1-based): chr8:10,623,116, T>A on the plus strand (A>T on the coding strand, the complement: RP1L1 is on the minus strand). VCF-style: chr8-10623116-T-A. GRCh37 (hg19) VCF-style: chr8-10480626-T-A.
Other names: short protein forms K29M.
Identifiers: ClinVar variation 1996586 (VCV001996586.4), dbSNP rs2486319706, ClinGen allele CA370301135.

ClinVar aggregate classification (germline): Uncertain significance (1 of 4 stars; one submission).

Submission:

Labcorp Genetics (formerly Invitae), Labcorp
Classification: Uncertain significance. Last evaluated: 2022-05-19. Review status: criteria provided, single submitter. Criteria: Invitae Variant Classification Sherloc (09022015). Collection method: clinical testing. Allele origin: germline.
Comment: In summary, the available evidence is currently insufficient to determine the role of this variant in disease. Therefore, it has been classified as a Variant of Uncertain Significance. Advanced modeling of protein sequence and biophysical properties (such as structural, functional, and spatial information, amino acid conservation, physicochemical variation, residue mobility, and thermodynamic stability) performed at Invitae indicates that this missense variant is not expected to disrupt RP1L1 protein function. This variant has not been reported in the literature in individuals affected with RP1L1-related conditions. This variant is not present in population databases (gnomAD no frequency). This sequence change replaces lysine, which is basic and polar, with methionine, which is neutral and non-polar, at codon 29 of the RP1L1 protein (p.Lys29Met).